The following is an entry in ClinVar:

NM_206933.4(USH2A):c.1163A>G (p.Gln388Arg)

Gene: USH2A (usherin; minus strand). Cytogenetic location: 1q41.
Variant type: single nucleotide variant.
Coding change: c.1163A>G on transcript NM_206933.4 (MANE Select); coding-DNA position 1163, A replaced by G.
Protein change: p.Gln388Arg; replaces glutamine 388 with arginine.
Molecular consequence: missense variant.
Genome position (GRCh38, 1-based): chr1:216,324,333, T>C on the plus strand (A>G on the coding strand, the complement: USH2A is on the minus strand). VCF-style: chr1-216324333-T-C. GRCh37 (hg19) VCF-style: chr1-216497675-T-C.
Other names: c.1163A>G, p.Gln388Arg (NM_007123.6); short protein forms Q388R.
Identifiers: ClinVar variation 2178057 (VCV002178057.1), dbSNP rs1325890734, ClinGen allele CA344912103.

ClinVar aggregate classification (germline): Uncertain significance (1 of 4 stars; one submission).

Allele frequency attached by ClinVar (database versions not stated): gnomAD 0.00001; TOPMed 0.00001.
gnomAD v4.1: 28 of 1,611,698 alleles (0.0017%); highest among the groups gnomAD compares: Non-Finnish European, 0.0024%; no homozygotes.

Submission:

Labcorp Genetics (formerly Invitae), Labcorp
Classification: Uncertain significance. Last evaluated: 2022-06-14. Review status: criteria provided, single submitter. Criteria: Invitae Variant Classification Sherloc (09022015). Collection method: clinical testing. Allele origin: germline.
Comment: This sequence change replaces glutamine, which is neutral and polar, with arginine, which is basic and polar, at codon 388 of the USH2A protein (p.Gln388Arg). This variant is present in population databases (no rsID available, gnomAD 0.0009%). This variant has not been reported in the literature in individuals affected with USH2A-related conditions. Algorithms developed to predict the effect of missense changes on protein structure and function output the following: SIFT: "Tolerated"; PolyPhen-2: "Benign"; Align-GVGD: "Class C0". The arginine amino acid residue is found in multiple mammalian species, which suggests that this missense change does not adversely affect protein function. Algorithms developed to predict the effect of sequence changes on RNA splicing suggest that this variant may disrupt the consensus splice site. In summary, the available evidence is currently insufficient to determine the role of this variant in disease. Therefore, it has been classified as a Variant of Uncertain Significance.